The following is an entry in ClinVar:

NM_000138.5(FBN1):c.2802G>T (p.Lys934Asn)

Gene: FBN1 (fibrillin 1; minus strand). Cytogenetic location: 15q21.1.
Variant type: single nucleotide variant.
Coding change: c.2802G>T on transcript NM_000138.5 (MANE Select); coding-DNA position 2802, G replaced by T.
Protein change: p.Lys934Asn; replaces lysine 934 with asparagine.
Molecular consequence: missense variant.
Genome position (GRCh38, 1-based): chr15:48,492,513, C>A on the plus strand (G>T on the coding strand, the complement: FBN1 is on the minus strand). VCF-style: chr15-48492513-C-A. GRCh37 (hg19) VCF-style: chr15-48784710-C-A.
Other names: c.2802G>T, p.Lys934Asn (NM_001406716.1); short protein forms K934N.
Identifiers: ClinVar variation 3073908 (VCV003073908.1), dbSNP rs1193280454, ClinGen allele CA392330611.

ClinVar aggregate classification (germline): Uncertain significance (1 of 4 stars; one submission).

Conditions:
Marfan syndrome (MFS). Also called: MARFAN SYNDROME, TYPE I; Marfan syndrome type 1; Marfan's syndrome; Marfan syndrome, classic; FBN1-Related Marfan Syndrome. Identifiers: Orphanet 284963, Orphanet 558, MedGen C0024796, MONDO:0007947, OMIM 154700.

Submission:

All of Us Research Program, National Institutes of Health
Classification: Uncertain significance for Marfan syndrome. Last evaluated: 2023-11-30. Review status: criteria provided, single submitter. Criteria: ACMG Guidelines, 2015. Collection method: clinical testing. Allele origin: germline. Inheritance: Autosomal dominant inheritance. Observed: 1 variant allele, 1 heterozygote.
Comment: This study involves interpretation of variants in research participants for the purpose of population health screening. Participant phenotype was not available at the time of variant classification. Additional details can be found in publication PMID: 35346344, PMCID: PMC8962531